The following is an entry in ClinVar:

NM_001036.6(RYR3):c.12457G>A (p.Val4153Ile)

Gene: RYR3 (ryanodine receptor 3; plus strand). Cytogenetic location: 15q14.
Variant type: single nucleotide variant.
Coding change: c.12457G>A on transcript NM_001036.6 (MANE Select); coding-DNA position 12457, G replaced by A.
Protein change: p.Val4153Ile; replaces valine 4153 with isoleucine.
Molecular consequence: missense variant.
Genome position (GRCh38, 1-based): chr15:33,838,437, G>A. VCF-style: chr15-33838437-G-A. GRCh37 (hg19) VCF-style: chr15-34130638-G-A.
Other names: c.12442G>A, p.Val4148Ile (NM_001243996.4); short protein forms V4153I, V4148I.
Identifiers: ClinVar variation 531007 (VCV000531007.10), dbSNP rs903865101, ClinGen allele CA268592798.

ClinVar aggregate classification (germline): Uncertain significance (1 of 4 stars; one submission).

Conditions:
Epileptic encephalopathy. Identifiers: MedGen C0543888, HP:0200134.

Allele frequency attached by ClinVar (database versions not stated): gnomAD exomes 0.00001 and 0.00003; TOPMed 0.00003; gnomAD 0.00001.
gnomAD v4.1: 54 of 1,613,902 alleles (0.0033%); highest among the groups gnomAD compares: Non-Finnish European, 0.0042%; no homozygotes.

Submission:

Labcorp Genetics (formerly Invitae), Labcorp
Classification: Uncertain significance for Epileptic encephalopathy. Last evaluated: 2020-01-24. Review status: criteria provided, single submitter. Criteria: Invitae Variant Classification Sherloc (09022015). Collection method: clinical testing. Allele origin: germline.
Comment: In summary, the available evidence is currently insufficient to determine the role of this variant in disease. Therefore, it has been classified as a Variant of Uncertain Significance. Algorithms developed to predict the effect of missense changes on protein structure and function output the following: SIFT: "Tolerated"; PolyPhen-2: "Benign"; Align-GVGD: "Class C0". The isoleucine amino acid residue is found in multiple mammalian species, suggesting that this missense change does not adversely affect protein function. These predictions have not been confirmed by published functional studies and their clinical significance is uncertain. This variant has not been reported in the literature in individuals with RYR3-related disease. This variant is not present in population databases (ExAC no frequency). This sequence change replaces valine with isoleucine at codon 4153 of the RYR3 protein (p.Val4153Ile). The valine residue is moderately conserved and there is a small physicochemical difference between valine and isoleucine.